The following is an entry in ClinVar:

ClinVar aggregate classification (germline): Uncertain significance. Review status: criteria provided, multiple submitters, no conflicts (2 of 4 stars). 3 submissions from 3 submitters: Uncertain significance (3). Last evaluated 2021-12-03.

Conditions:
Hereditary spastic paraplegia 64. Also called: ENTPD1-Related Neurodevelopmental Disorder; Spastic paraplegia 64, autosomal recessive. Identifiers: Orphanet 401810, MedGen C3810289, MONDO:0014303, OMIM 615683.
Inborn genetic diseases. Identifiers: MedGen C0950123, MeSH D030342.

Allele frequency attached by ClinVar (database versions not stated): gnomAD 0.00009; ExAC 0.00014; 1000 Genomes Project 30x 0.00016; gnomAD exomes 0.00016; 1000 Genomes Project 0.00020; TOPMed 0.00020.
gnomAD v4.1: 214 of 1,614,050 alleles (0.013%); highest among the groups gnomAD compares: East Asian, 0.11%; no homozygotes.

Submissions (3):

Labcorp Genetics (formerly Invitae), Labcorp
Classification: Uncertain significance for Hereditary spastic paraplegia 64. Last evaluated: 2021-12-03. Review status: criteria provided, single submitter. Criteria: Invitae Variant Classification Sherloc (09022015). Collection method: clinical testing. Allele origin: germline.
Comment: This sequence change replaces valine, which is neutral and non-polar, with methionine, which is neutral and non-polar, at codon 77 of the ENTPD1 protein (p.Val77Met). This variant is present in population databases (rs199915134, gnomAD 0.1%). This variant has not been reported in the literature in individuals affected with ENTPD1-related conditions. ClinVar contains an entry for this variant (Variation ID: 1003440). Algorithms developed to predict the effect of missense changes on protein structure and function output the following: SIFT: "Tolerated"; PolyPhen-2: "Benign"; Align-GVGD: "Class C0". The methionine amino acid residue is found in multiple mammalian species, which suggests that this missense change does not adversely affect protein function. In summary, the available evidence is currently insufficient to determine the role of this variant in disease. Therefore, it has been classified as a Variant of Uncertain Significance.

Ambry Genetics
Classification: Uncertain significance for Inborn genetic diseases. Last evaluated: 2021-08-02. Review status: criteria provided, single submitter. Criteria: Ambry Variant Classification Scheme 2023. Collection method: clinical testing. Allele origin: germline.

Breakthrough Genomics
Classification: Uncertain significance. Review status: criteria provided, single submitter. Criteria: ACMG Guidelines, 2015. Collection method: not provided. Allele origin: germline. Inheritance: Autosomal recessive inheritance. Affected: yes.

NM_001776.6(ENTPD1):c.229G>A (p.Val77Met)

Genes: ENTPD1-AS1 (ENTPD1 antisense RNA 1; minus strand), ENTPD1 (ectonucleoside triphosphate diphosphohydrolase 1; plus strand). Cytogenetic location: 10q24.1.
Variant type: single nucleotide variant.
Coding change: c.229G>A on transcript NM_001776.6 (MANE Select); coding-DNA position 229, G replaced by A.
Protein change: p.Val77Met; replaces valine 77 with methionine.
Molecular consequence: missense variant. On other transcripts: 5 prime UTR variant (3), intron variant (1).
Genome position (GRCh38, 1-based): chr10:95,839,775, G>A. VCF-style: chr10-95839775-G-A. GRCh37 (hg19) VCF-style: chr10-97599532-G-A.
Other names: c.250G>A, p.Val84Met (NM_001098175.2); c.265G>A, p.Val89Met (NM_001164178.1, NM_001320916.1); c.229G>A, p.Val77Met (NM_001164179.2); c.-96G>A (NM_001164181.1, NM_001312654.1); c.-35G>A (NM_001164182.2); c.-1-4701G>A (NM_001164183.2); short protein forms V77M, V84M, V89M.
Identifiers: ClinVar variation 1003440 (VCV001003440.6), dbSNP rs199915134, ClinGen allele CA5621351.